The following is an entry in ClinVar:

NM_000093.5(COL5A1):c.5492T>C (p.Val1831Ala)

Genes: COL5A1 (collagen type V alpha 1 chain; plus strand), LOC101448202 (uncharacterized LOC101448202; minus strand). Cytogenetic location: 9q34.3.
Variant type: single nucleotide variant.
Coding change: c.5492T>C on transcript NM_000093.5 (MANE Select); coding-DNA position 5492, T replaced by C.
Protein change: p.Val1831Ala; replaces valine 1831 with alanine.
Molecular consequence: missense variant.
Genome position (GRCh38, 1-based): chr9:134,842,278, T>C. VCF-style: chr9-134842278-T-C. GRCh37 (hg19) VCF-style: chr9-137734124-T-C.
Other names: c.5492T>C (NM_000093.3); c.5492T>C, p.Val1831Ala (NM_001278074.1); short protein forms V1831A.
Identifiers: ClinVar variation 1677825 (VCV001677825.4), dbSNP rs532411382, ClinGen allele CA5320757.

ClinVar aggregate classification (germline): Uncertain significance. Review status: criteria provided, multiple submitters, no conflicts (2 of 4 stars). 3 submissions from 3 submitters: Uncertain significance (3). Last evaluated 2026-06-22.

Conditions:
Familial thoracic aortic aneurysm and aortic dissection (TAAD). Also called: Thoracic aortic aneurysms and dissections. Identifiers: Orphanet 91387, MedGen C4707243, MONDO:0019625.

Allele frequency attached by ClinVar (database versions not stated): gnomAD exomes 0.00001; 1000 Genomes Project 30x 0.00016; 1000 Genomes Project 0.00020; ExAC 0.00002; TOPMed below 0.00001; gnomAD 0.00001.
gnomAD v4.1: 5 of 1,614,164 alleles (0.00031%); highest among the groups gnomAD compares: South Asian, 0.0011%; no homozygotes.

Submissions (3):

Ambry Genetics
Classification: Uncertain significance for Familial thoracic aortic aneurysm and aortic dissection. Last evaluated: 2026-06-22. Review status: criteria provided, single submitter. Criteria: Ambry Variant Classification Scheme 2023. Collection method: clinical testing. Allele origin: germline.
Comment: The p.V1831A variant (also known as c.5492T>C), located in coding exon 66 of the COL5A1 gene, results from a T to C substitution at nucleotide position 5492. The valine at codon 1831 is replaced by alanine, an amino acid with similar properties. This amino acid position is conserved. In addition, the in silico prediction for this alteration is inconclusive. Based on the available evidence, the clinical significance of this variant remains unclear.

Women's Health and Genetics/Laboratory Corporation of America, LabCorp
Classification: Uncertain significance. Last evaluated: 2026-05-28. Review status: criteria provided, single submitter. Criteria: LabCorp Variant Classification Summary - May 2015. Collection method: clinical testing. Allele origin: germline.
Comment: Variant summary: COL5A1 c.5492T>C (p.Val1831Ala) results in a non-conservative amino acid change in the encoded protein sequence. Algorithms developed to predict the effect of missense changes on protein structure and function all suggest that this variant is likely to be disruptive. The variant allele was found at a frequency of 8e-06 in 251210 control chromosomes. The available data on variant occurrences in the general population are insufficient to allow any conclusion about variant significance. To our knowledge, no occurrence of c.5492T>C in individuals affected with COL5A1-related conditions and no experimental evidence demonstrating its impact on protein function have been reported. ClinVar contains an entry for this variant (Variation ID: 1677825). Based on the evidence outlined above, the variant was classified as uncertain significance.

AiLife Diagnostics
Classification: Uncertain significance. Last evaluated: 2022-01-19. Review status: criteria provided, single submitter. Criteria: ACMG Guidelines, 2015. Collection method: clinical testing. Allele origin: germline. Affected: yes. Observed: 1 variant allele.